The following is an entry in ClinVar:

ClinVar aggregate classification (germline): Uncertain significance (1 of 4 stars; one submission).

Conditions:
Cohen syndrome (COH1). Also called: Cutis verticis gyrata, retinitis pigmentosa, and sensorineural deafness; PEPPER SYNDROME. Identifiers: Orphanet 193, MedGen C0265223, MONDO:0008999, OMIM 216550.

Submission:

Labcorp Genetics (formerly Invitae), Labcorp
Classification: Uncertain significance for Cohen syndrome. Last evaluated: 2021-12-09. Review status: criteria provided, single submitter. Criteria: Invitae Variant Classification Sherloc (09022015). Collection method: clinical testing. Allele origin: germline.
Comment: This sequence change replaces lysine, which is basic and polar, with threonine, which is neutral and polar, at codon 881 of the VPS13B protein (p.Lys881Thr). This variant is not present in population databases (gnomAD no frequency). This variant has not been reported in the literature in individuals affected with VPS13B-related conditions. Algorithms developed to predict the effect of missense changes on protein structure and function are either unavailable or do not agree on the potential impact of this missense change (SIFT: "Not Available"; PolyPhen-2: "Possibly Damaging"; Align-GVGD: "Not Available"). Algorithms developed to predict the effect of sequence changes on RNA splicing suggest that this variant may create or strengthen a splice site. In summary, the available evidence is currently insufficient to determine the role of this variant in disease. Therefore, it has been classified as a Variant of Uncertain Significance.

NM_152564.5(VPS13B):c.2642A>C (p.Lys881Thr)

Gene: VPS13B (vacuolar protein sorting 13 homolog B; plus strand). Cytogenetic location: 8q22.2.
Variant type: single nucleotide variant.
Coding change: c.2642A>C on transcript NM_152564.5 (MANE Select); coding-DNA position 2642, A replaced by C.
Protein change: p.Lys881Thr; replaces lysine 881 with threonine.
Molecular consequence: missense variant.
Genome position (GRCh38, 1-based): chr8:99,274,324, A>C. VCF-style: chr8-99274324-A-C. GRCh37 (hg19) VCF-style: chr8-100286552-A-C.
Other names: c.2642A>C, p.Lys881Thr (NM_017890.5); short protein forms K881T.
Identifiers: ClinVar variation 1446835 (VCV001446835.6), dbSNP rs2132995145, ClinGen allele CA371862357.